The following is an entry in ClinVar:

ClinVar aggregate classification (germline): Pathogenic/Likely pathogenic. Review status: criteria provided, multiple submitters, no conflicts (2 of 4 stars). 6 submissions from 6 submitters: Pathogenic (5); Likely pathogenic (1). Last evaluated 2024-12-16.

Conditions:
Recessive dystrophic epidermolysis bullosa (RDEB). Also called: Hallopeau-Siemens Disease; severe generalized recessive dystrophic epidermolysis bullosa; Epidermolysis Bullosa Distrophica Autosomal Recessive (RDEB); Recessive DEB (RDEB); EPIDERMOLYSIS BULLOSA DYSTROPHICA, GENERALIZED SEVERE, AUTOSOMAL RECESSIVE; epidermolysis bullosa dystrophica, autosomal recessive. Identifiers: Orphanet 79408, Orphanet 79409, MedGen C0079474, MONDO:0009179, OMIM 226600.
Transient bullous dermolysis of the newborn (TBDN). Also called: DYSTROPHIC EPIDERMOLYSIS BULLOSA, NEONATAL; EPIDERMOLYSIS BULLOSA DYSTROPHICA, NEONATAL FORM. Identifiers: Orphanet 79411, MedGen C1851573, MONDO:0007548, OMIM 131705.
Nonsyndromic congenital nail disorder 8. Also called: TOENAIL DYSTROPHY, ISOLATED. Identifiers: MedGen C1843761, MONDO:0011852, OMIM 607523.
Pretibial dystrophic epidermolysis bullosa. Also called: Pretibial epidermolysis bullosa; EPIDERMOLYSIS BULLOSA DYSTROPHICA, PRETIBIAL; Pretibial blistering. Identifiers: Orphanet 79410, MedGen C0432321, MONDO:0007552, OMIM 131850, HP:0012221.
Dominant dystrophic epidermolysis bullosa with absence of skin. Also called: EPIDERMOLYSIS BULLOSA WITH CONGENITAL LOCALIZED ABSENCE OF SKIN AND DEFORMITY OF NAILS; EPIDERMOLYSIS BULLOSA DYSTROPHICA, BART TYPE. Identifiers: MedGen C0268371, MONDO:0007557, OMIM 132000.
Epidermolysis bullosa pruriginosa. Also called: DEB, PRURIGINOSA; DYSTROPHIC EPIDERMOLYSIS BULLOSA PRURIGINOSA. Identifiers: Orphanet 89843, MedGen C1275114, MONDO:0011398, OMIM 604129.
Generalized dominant dystrophic epidermolysis bullosa (DDEB). Also called: Dominant DEB (DDEB); DDEB, generalized; DDEB-gen; DYSTROPHIC EPIDERMOLYSIS BULLOSA, AUTOSOMAL DOMINANT; Epidermolysis bullosa dystrophica, autosomal dominant. Identifiers: Orphanet 231568, MedGen C0432322, MONDO:0007549, OMIM 131750.
Epidermolysis bullosa dystrophica. Also called: Dystrophic epidermolysis bullosa, Hallopeau-Siemens type (formerly); Dystrophic epidermolysis bullosa. Identifiers: Orphanet 303, MedGen C0079294, MONDO:0006543.

gnomAD v4.1: 6 of 1,613,928 alleles (0.00037%); highest among the groups gnomAD compares: East Asian, 0.013%; no homozygotes.

Submissions (6):

Natera, Inc.
Classification: Pathogenic for Dystrophic epidermolysis bullosa. Last evaluated: 2024-12-16. Review status: criteria provided, single submitter. Criteria: Natera Variant Classification Schema (03/2026). Collection method: clinical testing. Allele origin: germline.
Comment: The c.8569G>T variant in COL7A1 is a nonsense variant predicted to introduce a stop codon at amino acid 2857. This variant is expected to result in nonsense mediated decay, truncation, or a dysfunctional protein product. This variant is rare in the general population with a frequency below the threshold expected for the associated phenotype(s). This variant has been observed in one or more individuals affected with the associated recessive disease, as either homozygous or compound heterozygous with a second variant (PMID: 10383751, 17073998). Given the available evidence, this variant is classified as Pathogenic.

Women's Health and Genetics/Laboratory Corporation of America, LabCorp
Classification: Pathogenic for Dystrophic Epidermolysis Bullosa, Recessive. Last evaluated: 2024-10-30. Review status: criteria provided, single submitter. Criteria: LabCorp Variant Classification Summary - May 2015. Collection method: clinical testing. Allele origin: germline.
Comment: Variant summary: COL7A1 c.8569G>T (p.Glu2857X) results in a premature termination codon, predicted to cause a truncation of the encoded protein or absence of the protein due to nonsense mediated decay, which are commonly known mechanisms for disease. The variant was absent in 251208 control chromosomes. c.8569G>T has been reported in the literature in multiple compound heterozygous individuals affected with Dystrophic Epidermolysis Bullosa, Recessive (e.g. Chen_2023). These data indicate that the variant is very likely to be associated with disease. To our knowledge, no experimental evidence demonstrating an impact on protein function has been reported. The following publication has been ascertained in the context of this evaluation (PMID: 36287101). ClinVar contains an entry for this variant (Variation ID: 1339053). Based on the evidence outlined above, the variant was classified as pathogenic.

Myriad Genetics, Inc.
Classification: Pathogenic for Recessive dystrophic epidermolysis bullosa. Last evaluated: 2024-09-02. Review status: criteria provided, single submitter. Criteria: Myriad Autosomal Dominant, Autosomal Recessive and X-Linked Classification Criteria (2023). Collection method: clinical testing. Allele origin: unknown.
Comment: NM_000094.3(COL7A1):c.8569G>T(E2857*) is expected to be pathogenic in the context of dystrophic epidermolysis bullosa. This variant is predicted to lead to an abnormal or absent protein product due to the creation of a premature termination codon in COL7A1, a gene where loss-of-function variants are known to be pathogenic. Please note: this variant was assessed in the context of healthy population screening.

Labcorp Genetics (formerly Invitae), Labcorp
Classification: Pathogenic. Last evaluated: 2024-02-19. Review status: criteria provided, single submitter. Criteria: Invitae Variant Classification Sherloc (09022015). Collection method: clinical testing. Allele origin: germline.
Comment: This sequence change creates a premature translational stop signal (p.Glu2857*) in the COL7A1 gene. It is expected to result in an absent or disrupted protein product. Loss-of-function variants in COL7A1 are known to be pathogenic (PMID: 16971478). This variant is not present in population databases (gnomAD no frequency). This premature translational stop signal has been observed in individual(s) with autosomal recessive dystrophic epidermolysis bullosa (PMID: 17073998, 21448560). ClinVar contains an entry for this variant (Variation ID: 1339053). Algorithms developed to predict the effect of sequence changes on RNA splicing suggest that this variant may disrupt the consensus splice site. For these reasons, this variant has been classified as Pathogenic.

Juno Genomics, Hangzhou Juno Genomics, Inc
Classification: Pathogenic for Recessive dystrophic epidermolysis bullosa; Generalized dominant dystrophic epidermolysis bullosa; Dominant dystrophic epidermolysis bullosa with absence of skin; Nonsyndromic congenital nail disorder 8; Epidermolysis bullosa pruriginosa; Pretibial dystrophic epidermolysis bullosa; Transient bullous dermolysis of the newborn. Review status: criteria provided, single submitter. Criteria: ACMG Guidelines, 2015. Collection method: clinical testing. Allele origin: germline.
Comment: Absent from controls (or at extremely low frequency if recessive) in Genome Aggregation Database.;Null variant in a gene where loss of function (LOF) is a known mechanism of disease.;For recessive disorders, detected in trans with a pathogenic variant.

Neuberg Centre For Genomic Medicine, NCGM
Classification: Likely pathogenic for Recessive dystrophic epidermolysis bullosa. Review status: criteria provided, single submitter. Criteria: ACMG Guidelines, 2015. Collection method: clinical testing. Allele origin: germline. Affected: yes.
Comment: The stop gained p.E2857* in COL7A1 (NM_000094.4) has not been reported previously as a pathogenic variant nor as a benign variant, to our knowledge. The p.E2857* variant is novel (not in any individuals) in gnomAD Exomes and is novel (not in any individuals) in 1000 Genomes. This variant is predicted to cause loss of normal protein function through protein truncation. Loss of function mutations have been previously reported to be disease causing. For these reasons, this variant has been classified as Likely Pathogenic.

Literature cited by the submitters: PubMed 10383751 (cited by Natera, Inc.); PubMed 17073998 (cited by Natera, Inc. and Labcorp Genetics (formerly Invitae), Labcorp); PubMed 36287101 (cited by Women's Health and Genetics/Laboratory Corporation of America, LabCorp); PubMed 16971478 (cited by Labcorp Genetics (formerly Invitae), Labcorp); PubMed 21448560 (cited by Labcorp Genetics (formerly Invitae), Labcorp).

NM_000094.4(COL7A1):c.8569G>T (p.Glu2857Ter)

Gene: COL7A1 (collagen type VII alpha 1 chain; minus strand). Cytogenetic location: 3p21.31.
Variant type: single nucleotide variant.
Coding change: c.8569G>T on transcript NM_000094.4 (MANE Select); coding-DNA position 8569, G replaced by T.
Protein change: p.Glu2857Ter; replaces glutamic acid 2857 with a stop codon.
Molecular consequence: nonsense.
Genome position (GRCh38, 1-based): chr3:48,565,160, C>A on the plus strand (G>T on the coding strand, the complement: COL7A1 is on the minus strand). VCF-style: chr3-48565160-C-A. GRCh37 (hg19) VCF-style: chr3-48602593-C-A.
Other names: c.8569G>T (NM_000094.3); short protein forms E2857*.
Identifiers: ClinVar variation 1339053 (VCV001339053.10), dbSNP rs372166543, ClinGen allele CA352634093.
Genomic context (GRCh38, chr3:48,565,160, plus strand): 5'-CATTCTCACCATCACTATCCCAAGGAGCTTCAGGGTCCTGGTACTCCTCCACAGAATACT[C>A]GGAGTATTCAGAGTACTCATCATCCTCAGGGGGTACCCGCTCTGCAGGTAGGGCAGGGTG-3'